The following is an entry in ClinVar:

ClinVar aggregate classification (germline): Uncertain significance (1 of 4 stars; one submission).

gnomAD v4.1: 1 of 1,614,142 alleles (0.000062%); highest among the groups gnomAD compares: Non-Finnish European, 0.000085%; no homozygotes.

Submission:

Labcorp Genetics (formerly Invitae), Labcorp
Classification: Uncertain significance. Last evaluated: 2024-01-26. Review status: criteria provided, single submitter. Criteria: Invitae Variant Classification Sherloc (09022015). Collection method: clinical testing. Allele origin: germline.
Comment: This sequence change replaces arginine, which is basic and polar, with leucine, which is neutral and non-polar, at codon 755 of the ATP2B4 protein (p.Arg755Leu). This variant is not present in population databases (gnomAD no frequency). This variant has not been reported in the literature in individuals affected with ATP2B4-related conditions. Advanced modeling of protein sequence and biophysical properties (such as structural, functional, and spatial information, amino acid conservation, physicochemical variation, residue mobility, and thermodynamic stability) performed at Invitae indicates that this missense variant is expected to disrupt ATP2B4 protein function with a positive predictive value of 80%. In summary, the available evidence is currently insufficient to determine the role of this variant in disease. Therefore, it has been classified as a Variant of Uncertain Significance.

NM_001684.5(ATP2B4):c.2264G>T (p.Arg755Leu)

Gene: ATP2B4 (ATPase plasma membrane Ca2+ transporting 4; plus strand). Cytogenetic location: 1q32.1.
Variant type: single nucleotide variant.
Coding change: c.2264G>T on transcript NM_001684.5 (MANE Select); coding-DNA position 2264, G replaced by T.
Protein change: p.Arg755Leu; replaces arginine 755 with leucine.
Molecular consequence: missense variant.
Genome position (GRCh38, 1-based): chr1:203,713,217, G>T. VCF-style: chr1-203713217-G-T. GRCh37 (hg19) VCF-style: chr1-203682345-G-T.
Other names: c.2264G>T, p.Arg755Leu (NM_001001396.3, NM_001365783.2, NM_001365784.2); short protein forms R755L.
Identifiers: ClinVar variation 2867944 (VCV002867944.3), dbSNP rs1352897227, ClinGen allele CA344316759.
Genomic context (GRCh38, chr1:203,713,217, plus strand): 5'-GTTGGCAGGTAGAGCAAGAAAAGCTGGACAAGATCTGGCCTAAGCTTCGGGTCCTGGCGC[G>T]ATCTTCTCCCACTGACAAGCACACCCTGGTGAAAGGTGAGGTTGGCTTCCAAATAGGTGC-3'
Protein context (NP_001675.3, residues 745-765): KIWPKLRVLA[Arg755Leu]SSPTDKHTLV